The following is an entry in ClinVar:

NM_004826.4(ECEL1):c.1987C>T (p.Arg663Trp)

Gene: ECEL1 (endothelin converting enzyme like 1; minus strand). Cytogenetic location: 2q37.1.
Variant type: single nucleotide variant.
Coding change: c.1987C>T on transcript NM_004826.4 (MANE Select); coding-DNA position 1987, C replaced by T.
Protein change: p.Arg663Trp; replaces arginine 663 with tryptophan.
Molecular consequence: missense variant.
Genome position (GRCh38, 1-based): chr2:232,481,508, G>A on the plus strand (C>T on the coding strand, the complement: ECEL1 is on the minus strand). VCF-style: chr2-232481508-G-A. GRCh37 (hg19) VCF-style: chr2-233346218-G-A.
Other names: c.1981C>T, p.Arg661Trp (NM_001290787.2); short protein forms R661W, R663W.
Identifiers: ClinVar variation 3029901 (VCV003029901.2), dbSNP rs768312431, ClinGen allele CA2167017.
Genomic context (GRCh38, chr2:232,481,508, plus strand): 5'-GCTCCCGGCCCGTGCCCCACCAGGCCTGAGGGGCACAAGGGGCAGGTGGGGGTCTCACCC[G>A]CTGGTTGTAGACAGTGAAGTTGTCATAGAGACGGACGATGCACTCAGCCTTTCGCAGGAA-3'
Protein context (NP_004817.2, residues 653-673): LYDNFTVYNQ[Arg663Trp]VNGKHTLGEN

ClinVar aggregate classification (germline): Uncertain significance (0 of 4 stars; one submission).

Conditions:
ECEL1-related disorder. Also called: ECEL1-related condition.

Allele frequency attached by ClinVar (database versions not stated): ExAC 0.00001; gnomAD 0.00001; gnomAD exomes 0.00001; TOPMed 0.00003.
gnomAD v4.1: 12 of 1,607,984 alleles (0.00075%); highest among the groups gnomAD compares: Admixed American, 0.0051%; no homozygotes.

Submission:

PreventionGenetics, part of Exact Sciences
Classification: Uncertain significance for ECEL1-related condition. Last evaluated: 2023-11-22. Review status: no assertion criteria provided. Collection method: clinical testing. Allele origin: germline.
Comment: The ECEL1 c.1987C>T variant is predicted to result in the amino acid substitution p.Arg663Trp. To our knowledge, this variant has not been reported in the literature. This variant is reported in 0.0058% of alleles in individuals of Latino descent in gnomAD. At this time, the clinical significance of this variant is uncertain due to the absence of conclusive functional and genetic evidence.